The following is an entry in ClinVar:

ClinVar aggregate classification (germline): Uncertain significance (1 of 4 stars; one submission).

Submission:

Labcorp Genetics (formerly Invitae), Labcorp
Classification: Uncertain significance. Last evaluated: 2025-04-23. Review status: criteria provided, single submitter. Criteria: Invitae Variant Classification Sherloc (09022015). Collection method: clinical testing. Allele origin: germline.
Comment: This variant results in the deletion of part of exon 24 (c.2030-29_2045del) of the IFT88 gene. It is expected to disrupt RNA splicing. Variants that disrupt the donor or acceptor splice site typically lead to a loss of protein function (PMID: 16199547), however the current clinical and genetic evidence is not sufficient to establish whether loss-of-function variants in IFT88 cause disease. This variant is not present in population databases (gnomAD no frequency). This variant has not been reported in the literature in individuals affected with IFT88-related conditions. In summary, the available evidence is currently insufficient to determine the role of this variant in disease. Therefore, it has been classified as a Variant of Uncertain Significance.

Literature cited by the submitters: PubMed 16199547.

NM_006531.5(IFT88):c.2003-29_2018del

Gene: IFT88 (intraflagellar transport 88; plus strand). Cytogenetic location: 13q12.11.
Variant type: Deletion.
Coding change: c.2003-29_2018del on transcript NM_006531.5 (MANE Select); 29 bases into the intron before coding-DNA position 2003 through coding-DNA position 2018, 45 bases deleted.
Molecular consequence: splice acceptor variant.
Genome position (GRCh38, 1-based): chr13:20,656,336-20,656,380, 45 bases deleted; deleting any 45 consecutive bases within chr13:20,656,334-20,656,380 gives the same sequence; the c. name uses the placement nearest the transcript's 3' end. GRCh37 (hg19): chr13:21,230,475-21,230,519.
Other names: c.2030-29_2045del (NM_001318493.2, NM_175605.5, NM_001353566.2 and 2 more transcripts); c.2003-29_2018del (NM_001353568.2, NM_001353572.2); c.1928-29_1943del (NM_001353570.2, NM_001353576.2, NM_001353577.2 and 1 more transcripts); c.1901-29_1916del (NM_001353571.2, NM_001353578.2); c.1370-29_1385del (NM_001353579.2); c.1946-29_1961del (NM_001353575.2, NM_001318491.2); c.1859-29_1874del (NM_001353573.2); c.1844-29_1859del (NM_001353574.2).
Identifiers: ClinVar variation 4718247 (VCV004718247.1).